The following is an entry in ClinVar:

NM_033087.4(ALG2):c.1228T>C (p.Tyr410His)

Gene: ALG2 (ALG2 alpha-1,3/1,6-mannosyltransferase; minus strand). Cytogenetic location: 9q22.33.
Variant type: single nucleotide variant.
Coding change: c.1228T>C on transcript NM_033087.4 (MANE Select); coding-DNA position 1228, T replaced by C.
Protein change: p.Tyr410His; replaces tyrosine 410 with histidine.
Molecular consequence: missense variant. On other transcripts: non-coding transcript variant (1).
Genome position (GRCh38, 1-based): chr9:99,217,957, A>G on the plus strand (T>C on the coding strand, the complement: ALG2 is on the minus strand). VCF-style: chr9-99217957-A-G. GRCh37 (hg19) VCF-style: chr9-101980239-A-G.
Other names: short protein forms Y410H.
Identifiers: ClinVar variation 1476100 (VCV001476100.6), dbSNP rs376959842, ClinGen allele CA5156181.
Genomic context (GRCh38, chr9:99,217,957, plus strand): 5'-AAAAATGACATTAATGGAGATCTTAAAAACAATCTGATTATACCAGCAGTTTGGTAACAT[A>G]TCGGTAGAGCTGTTCTGTAAATGCTTCAGGGGAAAATTTTTCCTTCACTCTGGCTCTTCC-3'
Protein context (NP_149078.1, residues 400-416): PEAFTEQLYR[Tyr410His]VTKLLV

ClinVar aggregate classification (germline): Uncertain significance (1 of 4 stars; one submission).

Conditions:
Congenital disorder of glycosylation, type Ii. Also called: ALG2-CDG; CDG Ii; ALG2-congenital disorder of glycosylation. Identifiers: Orphanet 79326, MedGen C1842836, MONDO:0011933, OMIM 607906.
Congenital myasthenic syndrome 14. Also called: Myasthenic syndrome, congenital, 14, with tubular aggregates. Identifiers: Orphanet 353327, Orphanet 590, MedGen C4015597, MONDO:0014543, OMIM 616228.

Allele frequency attached by ClinVar (database versions not stated): gnomAD exomes 0.00004 and 0.00002; TOPMed 0.00004; ExAC 0.00003; gnomAD 0.00001; ESP Exome Variant Server 0.00008.
gnomAD v4.1: 23 of 1,614,132 alleles (0.0014%); highest among the groups gnomAD compares: Admixed American, 0.018%; no homozygotes.

Submission:

Labcorp Genetics (formerly Invitae), Labcorp
Classification: Uncertain significance for Congenital disorder of glycosylation, type Ii; Congenital myasthenic syndrome 14. Last evaluated: 2026-01-19. Review status: criteria provided, single submitter. Criteria: Invitae Variant Classification Sherloc (09022015). Collection method: clinical testing. Allele origin: germline.
Comment: This sequence change replaces tyrosine, which is neutral and polar, with histidine, which is basic and polar, at codon 410 of the ALG2 protein (p.Tyr410His). This variant is present in population databases (rs376959842, gnomAD 0.03%). This variant has not been reported in the literature in individuals affected with ALG2-related conditions. ClinVar contains an entry for this variant (Variation ID: 1476100). An algorithm developed to predict the effect of missense changes on protein structure and function (PolyPhen-2) suggests that this variant is likely to be tolerated. In summary, the available evidence is currently insufficient to determine the role of this variant in disease. Therefore, it has been classified as a Variant of Uncertain Significance.